The following is an entry in ClinVar:

ClinVar aggregate classification (germline): Pathogenic (1 of 4 stars; one submission).

Conditions:
Pfeiffer syndrome (ACS5). Also called: ACS V. Identifiers: Orphanet 710, MedGen C0220658, MONDO:0007043, OMIM 101600.
Hypogonadotropic hypogonadism 2 with or without anosmia (HH2). Also called: FGFR1-Related GnRH Deficiency (Kallmann Syndrome 2); HYPOGONADOTROPIC HYPOGONADISM 2 WITH OR WITHOUT ANOSMIA, SUSCEPTIBILITY TO; HYPOGONADOTROPIC HYPOGONADISM 2 WITHOUT ANOSMIA, SUSCEPTIBILITY TO; HYPOGONADOTROPIC HYPOGONADISM 2 WITHOUT ANOSMIA. Identifiers: Orphanet 478, MedGen C1563720, MONDO:0007844, OMIM 147950. Disease mechanism: loss of function.

Submission:

Labcorp Genetics (formerly Invitae), Labcorp
Classification: Pathogenic for Pfeiffer syndrome; Hypogonadotropic hypogonadism 2 with or without anosmia. Last evaluated: 2025-09-07. Review status: criteria provided, single submitter. Criteria: Invitae Variant Classification Sherloc (09022015). Collection method: clinical testing. Allele origin: germline.
Comment: This sequence change creates a premature translational stop signal (p.Pro25Argfs*78) in the FGFR1 gene. It is expected to result in an absent or disrupted protein product. Loss-of-function variants in FGFR1 are known to be pathogenic (PMID: 12627230). This variant is not present in population databases (gnomAD no frequency). This variant has not been reported in the literature in individuals affected with FGFR1-related conditions. For these reasons, this variant has been classified as Pathogenic.

Literature cited by the submitters: PubMed 12627230.

NM_023110.3(FGFR1):c.74del (p.Pro25fs)

Gene: FGFR1 (fibroblast growth factor receptor 1; minus strand). Cytogenetic location: 8p11.23.
Variant type: Deletion.
Coding change: c.74del on transcript NM_023110.3 (MANE Select); coding-DNA position 74, one base deleted (C; older notation c.74delC).
Protein change: p.Pro25fs; shifts the reading frame from proline 25.
Molecular consequence: frameshift variant. On other transcripts: 5 prime UTR variant (1).
Genome position (GRCh38, 1-based): chr8:38,457,373, G deleted on the plus strand (C on the coding strand, the reverse complement: FGFR1 is on the minus strand); the first of 4 consecutive G bases (chr8:38,457,373-38,457,376); deleting any one gives the same sequence. VCF-style (leftmost placement, unchanged base first): chr8-38457372-CG-C. GRCh37 (hg19) VCF-style: chr8-38314890-CG-C.
Other names: c.74del, p.Pro25fs (NM_001174063.2, NM_001174065.2, NM_001174066.2 and 8 more transcripts); c.-19del (NM_001174064.2); c.173del, p.Pro58fs (NM_001174067.2); short protein forms P25fs, P58fs.
Identifiers: ClinVar variation 4786082 (VCV004786082.1).